The following is an entry in ClinVar:

NM_000535.7(PMS2):c.803+2T>A

Gene: PMS2 (PMS1 homolog 2, mismatch repair system component; minus strand). Cytogenetic location: 7p22.1.
Variant type: single nucleotide variant.
Coding change: c.803+2T>A on transcript NM_000535.7 (MANE Select); the canonical splice donor site of the intron after coding-DNA position 803, T replaced by A.
Molecular consequence: splice donor variant. On other transcripts: intron variant (3).
Genome position (GRCh38, 1-based): chr7:5,997,324, A>T on the plus strand (T>A on the coding strand, the complement: PMS2 is on the minus strand). VCF-style: chr7-5997324-A-T. GRCh37 (hg19) VCF-style: chr7-6036955-A-T.
Other names: c.485+2T>A (NM_001322008.2, NM_001406902.1, NM_001406883.1 and 4 more transcripts); c.494+2T>A (NM_001406881.1, NM_001406879.1, NM_001322015.2 and 6 more transcripts); c.398+2T>A (NM_001406895.1, NM_001322010.2, NM_001322004.2 and 19 more transcripts); c.132+5129T>A (NM_001406911.1); c.290+2T>A (NM_001406904.1, NM_001406905.1); c.230+2T>A (NM_001322013.2, NM_001406909.1); c.-131+2T>A (NM_001322012.2, NM_001322011.2); c.467+2T>A (NM_001406885.1); and 7 more.
Identifiers: ClinVar variation 1761740 (VCV001761740.2), dbSNP rs2128786265, ClinGen allele CA366743595.

ClinVar aggregate classification (germline): Pathogenic (1 of 4 stars; one submission).

Conditions:
Hereditary cancer-predisposing syndrome. Also called: Neoplastic Syndromes, Hereditary; Tumor predisposition; Hereditary Cancer Syndrome; Hereditary neoplastic syndrome. Identifiers: Orphanet 140162, MedGen C0027672, MeSH D009386, MONDO:0015356.

Submission:

Ambry Genetics
Classification: Pathogenic for Hereditary cancer-predisposing syndrome. Last evaluated: 2018-02-15. Review status: criteria provided, single submitter. Criteria: Ambry Variant Classification Scheme 2023. Collection method: clinical testing. Allele origin: germline.
Comment: The c.803+2T>A intronic pathogenic mutation results from a T to A substitution two nucleotides after coding exon 7 in the PMS2 gene. This nucleotide position is highly conserved in available vertebrate species. Using the BDGP and ESEfinder splice site prediction tools, this alteration is predicted to abolish the native splice donor site; however, direct evidence is unavailable. Alterations that disrupt the canonical splice site are expected to cause aberrant splicing, resulting in an abnormal protein or a transcript that is subject to nonsense-mediated mRNA decay. As such, this alteration is classified as a disease-causing mutation.